The following is an entry in ClinVar:

NM_000059.4(BRCA2):c.263del (p.Leu88fs)

Gene: BRCA2 (BRCA2 DNA repair associated; plus strand). Cytogenetic location: 13q13.1.
Variant type: Deletion.
Coding change: c.263del on transcript NM_000059.4 (MANE Select); coding-DNA position 263, one base deleted (T; older notation c.263delT).
Protein change: p.Leu88fs; shifts the reading frame from leucine 88.
Molecular consequence: frameshift variant.
Genome position (GRCh38, 1-based): chr13:32,319,272, T deleted. VCF-style (leftmost placement, unchanged base first): chr13-32319271-CT-C. GRCh37 (hg19) VCF-style: chr13-32893408-CT-C.
Other names: 491delT; c.263delT (NM_000059.3); short protein forms L88fs.
Identifiers: ClinVar variation 51321 (VCV000051321.8), dbSNP rs80359339, ClinGen allele CA015923.

ClinVar aggregate classification (germline): Pathogenic. Review status: reviewed by expert panel (3 of 4 stars). 3 submissions from 3 submitters: Pathogenic (1). 2 of the submissions do not count toward it. Last evaluated 2016-09-08.

Conditions:
Hereditary breast ovarian cancer syndrome. Also called: Hereditary breast and ovarian cancer syndrome; Hereditary breast and ovarian cancer; Hereditary breast and ovarian cancer syndrome (HBOC); Breast and ovarian cancer; Hereditary breast and/or ovarian cancer syndrome; BRCA1- and BRCA2-Associated Hereditary Breast and Ovarian Cancer. Identifiers: Orphanet 145, MedGen C0677776, MeSH D061325, MONDO:0003582. Disease mechanism: loss of function.
Breast-ovarian cancer, familial, susceptibility to, 2 (BROVCA2). Also called: BRCA2 Hereditary Breast and Ovarian Cancer. Identifiers: Orphanet 145, MedGen C2675520, MONDO:0012933, OMIM 612555. Disease mechanism: loss of function.

Submissions (3):

Evidence-based Network for the Interpretation of Germline Mutant Alleles (ENIGMA)
Classification: Pathogenic for Breast-ovarian cancer, familial, susceptibility to, 2. Last evaluated: 2016-09-08. Review status: reviewed by expert panel. Criteria: ENIGMA BRCA1/2 Classification Criteria (2015). Collection method: curation. Allele origin: germline.
Comment: Variant allele predicted to encode a truncated non-functional protein.

Labcorp Genetics (formerly Invitae), Labcorp
Classification: Pathogenic for Hereditary breast ovarian cancer syndrome. Last evaluated: 2020-11-11. Review status: criteria provided, single submitter. Criteria: Invitae Variant Classification Sherloc (09022015). Collection method: clinical testing. Allele origin: germline. Not counted in ClinVar's aggregate classification.
Comment: This sequence change creates a premature translational stop signal (p.Leu88Argfs*8) in the BRCA2 gene. It is expected to result in an absent or disrupted protein product. Loss-of-function variants in BRCA2 are known to be pathogenic (PMID: 20104584). This variant is not present in population databases (ExAC no frequency). This variant has not been reported in the literature in individuals with BRCA2-related conditions. ClinVar contains an entry for this variant (Variation ID: 51321). For these reasons, this variant has been classified as Pathogenic.

Breast Cancer Information Core (BIC) (BRCA2)
Classification: Pathogenic for Breast-ovarian cancer, familial 2. Last evaluated: 2002-05-29. Review status: no assertion criteria provided. Collection method: clinical testing. Allele origin: germline. Affected: yes. Observed: 1 variant allele. Not counted in ClinVar's aggregate classification.

Literature cited by the submitters: PubMed 20104584 (cited by Labcorp Genetics (formerly Invitae), Labcorp).